The following is an entry in ClinVar:

ClinVar aggregate classification (germline): Uncertain significance (1 of 4 stars; one submission).

gnomAD v4.1: 22 of 1,607,192 alleles (0.0014%); highest among the groups gnomAD compares: Admixed American, 0.037%; no homozygotes.

Submission:

Ambry Genetics
Classification: Uncertain significance. Last evaluated: 2025-11-19. Review status: criteria provided, single submitter. Criteria: Ambry Variant Classification Scheme 2023. Collection method: clinical testing. Allele origin: germline.
Comment: The c.691G>A (p.D231N) alteration is located in exon 6 (coding exon 6) of the LLGL1 gene. This alteration results from a G to A substitution at nucleotide position 691, causing the aspartic acid (D) at amino acid position 231 to be replaced by an asparagine (N). Based on data from gnomAD, the A allele has an overall frequency of 0.007% (16/244838) total alleles studied. The highest observed frequency was 0.044% (15/34114) of Latino alleles. Based on insufficient or conflicting evidence, the clinical significance of this alteration remains unclear.

NM_004140.4(LLGL1):c.691G>A (p.Asp231Asn)

Gene: LLGL1 (LLGL scribble cell polarity complex component 1; plus strand). Cytogenetic location: 17p11.2.
Variant type: single nucleotide variant.
Coding change: c.691G>A on transcript NM_004140.4 (MANE Select); coding-DNA position 691, G replaced by A.
Protein change: p.Asp231Asn; replaces aspartic acid 231 with asparagine.
Molecular consequence: missense variant.
Genome position (GRCh38, 1-based): chr17:18,234,152, G>A. VCF-style: chr17-18234152-G-A. GRCh37 (hg19) VCF-style: chr17-18137466-G-A.
Other names: short protein forms D231N.
Identifiers: ClinVar variation 4546733 (VCV004546733.1).
Genomic context (GRCh38, chr17:18,234,152, plus strand): 5'-ATTCTCATTGGCTACAGCCGGGGCCTGCTGGTCATCTGGAACCAGGCCTCGCAGTGTGTG[G>A]ACCACATCTTCCTGGGGAACCAGGTATGTAGGTGAGGCCTGTGTCCCCTCAGCCTGGGCC-3'
Protein context (NP_004131.4, residues 221-241): VIWNQASQCV[Asp231Asn]HIFLGNQQLE